The following is an entry in ClinVar:

NM_004793.4(LONP1):c.1875C>T (p.Asp625=)

Gene: LONP1 (lon peptidase 1, mitochondrial; minus strand). Cytogenetic location: 19p13.3.
Variant type: single nucleotide variant.
Coding change: c.1875C>T on transcript NM_004793.4 (MANE Select); coding-DNA position 1875, C replaced by T.
Protein change: p.Asp625=; no amino-acid change (aspartic acid 625 retained).
Molecular consequence: synonymous variant. On other transcripts: non-coding transcript variant (1).
Genome position (GRCh38, 1-based): chr19:5,696,270, G>A on the plus strand (C>T on the coding strand, the complement: LONP1 is on the minus strand). VCF-style: chr19-5696270-G-A. GRCh37 (hg19) VCF-style: chr19-5696281-G-A.
Other names: c.1683C>T, p.Asp561= (NM_001276479.2); c.1287C>T, p.Asp429= (NM_001276480.1).
Identifiers: ClinVar variation 735547 (VCV000735547.12), dbSNP rs140376996, ClinGen allele CA9114448.

ClinVar aggregate classification (germline): Likely benign. Review status: criteria provided, multiple submitters, no conflicts (2 of 4 stars). 3 submissions from 3 submitters: Likely benign (2). 1 of the submissions does not count toward it. Last evaluated 2025-12-31.

Conditions:
LONP1-related disorder. Also called: LONP1-related condition; LONP1-related disorders.

Allele frequency attached by ClinVar (database versions not stated): ExAC 0.00009; gnomAD exomes 0.00010; gnomAD 0.00030 and 0.00034; TOPMed 0.00036; ESP Exome Variant Server 0.00077.
gnomAD v4.1: 220 of 1,613,224 alleles (0.014%); highest among the groups gnomAD compares: African/African-American, 0.089%; no homozygotes.

Submissions (3):

Labcorp Genetics (formerly Invitae), Labcorp
Classification: Likely benign. Last evaluated: 2025-12-31. Review status: criteria provided, single submitter. Criteria: Invitae Variant Classification Sherloc (09022015). Collection method: clinical testing. Allele origin: germline.

Blueprint Genetics
Classification: Likely benign. Last evaluated: 2023-06-13. Review status: criteria provided, single submitter. Criteria: ACMG Guidelines, 2015. Collection method: clinical testing. Allele origin: germline.

PreventionGenetics, part of Exact Sciences
Classification: Likely benign for LONP1-related condition. Last evaluated: 2019-09-05. Review status: no assertion criteria provided. Collection method: clinical testing. Allele origin: germline. Not counted in ClinVar's aggregate classification.
Comment: This variant is classified as likely benign based on ACMG/AMP sequence variant interpretation guidelines (Richards et al. 2015 PMID: 25741868, with internal and published modifications).